The following is an entry in ClinVar:

NM_031935.3(HMCN1):c.16033C>A (p.Gln5345Lys)

Gene: HMCN1 (hemicentin 1; plus strand). Cytogenetic location: 1q31.1.
Variant type: single nucleotide variant.
Coding change: c.16033C>A on transcript NM_031935.3 (MANE Select); coding-DNA position 16033, C replaced by A.
Protein change: p.Gln5345Lys; replaces glutamine 5345 with lysine.
Molecular consequence: missense variant.
Genome position (GRCh38, 1-based): chr1:186,178,505, C>A. VCF-style: chr1-186178505-C-A. GRCh37 (hg19) VCF-style: chr1-186147637-C-A.
Other names: c.16033C>A (NM_031935.2); short protein forms Q5345K.
Identifiers: ClinVar variation 4771760 (VCV004771760.2).

ClinVar aggregate classification (germline): Uncertain significance. Review status: criteria provided, multiple submitters, no conflicts (2 of 4 stars). 2 submissions from 2 submitters: Uncertain significance (2). Last evaluated 2025-12-16.

gnomAD v4.1: 4 of 1,613,866 alleles (0.00025%); highest among the groups gnomAD compares: South Asian, 0.0011%; no homozygotes.

Submissions (2):

Ambry Genetics
Classification: Uncertain significance. Last evaluated: 2025-12-16. Review status: criteria provided, single submitter. Criteria: Ambry Variant Classification Scheme 2023. Collection method: clinical testing. Allele origin: germline.

Labcorp Genetics (formerly Invitae), Labcorp
Classification: Uncertain significance. Last evaluated: 2025-03-06. Review status: criteria provided, single submitter. Criteria: Invitae Variant Classification Sherloc (09022015). Collection method: clinical testing. Allele origin: germline.
Comment: This sequence change replaces glutamine, which is neutral and polar, with lysine, which is basic and polar, at codon 5345 of the HMCN1 protein (p.Gln5345Lys). This variant is not present in population databases (gnomAD no frequency). This variant has not been reported in the literature in individuals affected with HMCN1-related conditions. An algorithm developed to predict the effect of missense changes on protein structure and function (PolyPhen-2) suggests that this variant is likely to be disruptive. In summary, the available evidence is currently insufficient to determine the role of this variant in disease. Therefore, it has been classified as a Variant of Uncertain Significance.